The following continues an entry in ClinVar:

NM_000363.5(TNNI3):c.485G>A (p.Arg162Gln)

Gene: TNNI3. ClinVar aggregate classification (germline): Likely pathogenic. Likely pathogenic (1).

Submissions 18 to 31 of 31:

Molecular Diagnostic Laboratory for Inherited Cardiovascular Disease, Montreal Heart Institute
Classification: Pathogenic for Cardiovascular phenotype. Last evaluated: 2021-12-28. Review status: criteria provided, single submitter. Criteria: ACMG Guidelines, 2015. Collection method: clinical testing. Allele origin: germline. Affected: yes. Not counted in ClinVar's aggregate classification.

Laboratory for Molecular Medicine, Mass General Brigham Personalized Medicine
Classification: Likely pathogenic for Hypertrophic cardiomyopathy. Last evaluated: 2021-11-18. Review status: criteria provided, single submitter. Criteria: ACMG Guidelines, 2015. Collection method: clinical testing. Allele origin: germline. Inheritance: Autosomal dominant inheritance. Not counted in ClinVar's aggregate classification.
Comment: The p.Arg162Gln variant in TNNI3 has been reported in >20 individuals with HCM, one of whom was homozygous and 3 of whom also carried other pathogenic variants in HCM-associated genes. This variant also segregated with disease in >10 affected relatives from multiple families (Van Driest 2003 PMID:12860912, Mogensen 2004 PMID:15607392, Doolan 2005 PMID:15698845, Cheng 2005 PMID:15992656, Ingles 2005 PMID:16199542, Bos 2006 PMID:16352453, Gruner 2011 PMID:21511876, Rani 2012 PMID:22876777, Kapplinger 2014 PMID:24510615, Mouton 2015 PMID:25940119, Cecconi 2016 PMID 27600940, Burns 2017 PMID 28790153, Walsh 2017 PMID 27532257, Lorenzini 2020 PMID 32731933, LMM data). However, the p.Arg162Gln variant was also present in several unaffected relatives, many of whom were older than 50, suggesting reduced penetrance or a milder role (Mogensen 2004 PMID: 15607392, LMM data). This variant did not segregate with disease in 1 affected relative, although this discrepancy may be explained by the presence of more than 1 pathogenic variant in this family or an environmental origin of disease. This variant has also been reported by other clinical laboratories in ClinVar (Variation ID 43389) and was also identified in 0.005% (6/113172) of European chromosomes by gnomAD. In vitro functional studies using a mammalian two-hybrid system suggests that this variant may impact protein function by affecting the interaction with other binding partners (troponin T and troponin C; Doolan 2005 PMID:15698845). Computational prediction tools and conservation analyses suggest that this variant may not impact the protein, though this information is not predictive enough to rule out pathogenicity. Additionally, two different variants at this position (p.Arg162Pro and p.Arg162Trp) were identified in multiple individuals with HCM (Kimura 1997 PMID:9241277, Richard 2005 PMID:12707239, Doolan 2005 PMID:15698845, Ingles 2005 PMID:16199542, Gray 2013 PMID:23270746, LMM data), suggesting that a change of this amino acid residue is not tolerated. In summary, the p.Arg162Gln variant meets criteria to be classified as likely pathogenic for autosomal dominant HCM; however, this variant may have a milder role suggested by the incomplete penetrance seen in some family members and the individuals who were homozygous or double heterozygous. ACMG/AMP Criteria applied: PS4_Moderate, PP1_Strong, PS3_Supporting, BP4.

Heart Center, Academic Medical Center Amsterdam
Classification: Likely pathogenic for Dilated cardiomyopathy 1FF. Last evaluated: 2018-12-01. Review status: criteria provided, single submitter. Criteria: ACMG Guidelines, 2015. Collection method: research. Allele origin: unknown. Affected: yes. Not counted in ClinVar's aggregate classification.

Fulgent Genetics
Classification: Pathogenic for Cardiomyopathy, familial restrictive, 1; Dilated cardiomyopathy 2A; Dilated cardiomyopathy 1FF; Hypertrophic cardiomyopathy 7. Last evaluated: 2017-05-18. Review status: criteria provided, single submitter. Criteria: ACMG Guidelines, 2015. Collection method: clinical testing. Allele origin: unknown. Not counted in ClinVar's aggregate classification.

Agnes Ginges Centre for Molecular Cardiology, Centenary Institute
Classification: Pathogenic for Hypertrophic cardiomyopathy 7. Last evaluated: 2017-03-28. Review status: criteria provided, single submitter. Criteria: ACMG Guidelines, 2015. Collection method: research. Allele origin: germline. Affected: yes. Not counted in ClinVar's aggregate classification.
Comment: TNNI3 Arg162Gln has been identified in multiple HCM probands (Walsh R, et al., 2017; Cecconi M, et al., 2016; Mouton JM, et al., 2015; Coppini R, et la., 2014; Kapplinger JD, et al., 2014; Rani DS, et al., 2012; Bos JM, et al., 2006; Mogensen J, et al., 2004; Van Driest SL, et al., 2003) and has been found to segregate with disease in 2 HCM families (Rani DS, et al., 2012; Mogensen J, et al., 2004). The variant is present at a low frequency in the Exome Aggregation Consortium dataset (MAF=0.00003). We have identified this variant in 3 HCM probands (Burns et al., 2017), one of their families have been previously described (Ingles J, et al., 2005; Doolan A, et al., 2005). Computational tools CADD, MutationTaster, and PolyPhen-2 predict this variant to have a deleterious effect, however SIFT predicts this variant to be "tolerated". A mammalian two-hybrid system has shown that this missense change decreases troponin T and troponin C interaction (Doolan A, et al., 2005), whereas crystal structure modelling suggests that the Arg162Gln affects troponin C stability (Ramachandran G, et al., 2013). In summary, the TNNI3 Arg162Gln is a rare variant which has been described in multiple HCM probands around the world and has been found to segregate strongly in at least 2 families, therefore we classify this variant as "pathogenic".

Stanford Center for Inherited Cardiovascular Disease, Stanford University
Classification: Likely pathogenic. Last evaluated: 2015-07-24. Review status: criteria provided, single submitter. Criteria: ACMG Guidelines, 2015. Collection method: provider interpretation. Allele origin: germline. Not counted in ClinVar's aggregate classification.

Clinical Genetics Service, Universitary Hospital 12 de Octubre
Classification: Pathogenic for Hypertrophic cardiomyopathy 7. Review status: criteria provided, single submitter. Criteria: ACMG Guidelines, 2015. Collection method: clinical testing. Allele origin: germline. Affected: yes. Not counted in ClinVar's aggregate classification.

Juno Genomics, Hangzhou Juno Genomics, Inc
Classification: Likely pathogenic for Hypertrophic cardiomyopathy 7. Review status: criteria provided, single submitter. Criteria: ACMG Guidelines, 2015. Collection method: clinical testing. Allele origin: germline. Not counted in ClinVar's aggregate classification.
Comment: Located in a mutational hot spot and/or critical and well-established functional domain without benign variation.;Co-segregation with disease in multiple affected family members.;The prevalence of the variant in affected individuals is significantly increased compared to the prevalence in controls.;Multiple lines of computational evidence suggest no impact on gene or gene product.

PreventionGenetics, part of Exact Sciences
Classification: Pathogenic for TNNI3-related condition. Last evaluated: 2024-04-08. Review status: no assertion criteria provided. Collection method: clinical testing. Allele origin: germline. Not counted in ClinVar's aggregate classification.
Comment: The TNNI3 c.485G>A variant is predicted to result in the amino acid substitution p.Arg162Gln. This variant has been frequently reported and found to segregate with disease in individuals with hypertrophic cardiomyopathy (see, for example, Van Driest et al. 2003. PubMed ID: 12860912; Mogensen et al. 2004. PubMed ID: 15607392; Ingles et al. 2005. PubMed ID: 16199542; Supplementary Table 1, Coppini et al. 2014. PubMed ID: 25524337). This variant is reported in 0.0065% of alleles in individuals of South Asian descent in gnomAD. This variant is interpreted as pathogenic.

Division of Human Genetics, Children's Hospital of Philadelphia
Classification: Likely pathogenic for Dilated cardiomyopathy 1FF; Cardiomyopathy, familial restrictive, 1; Dilated cardiomyopathy 2A; Hypertrophic cardiomyopathy 7. Last evaluated: 2014-10-31. Review status: no assertion criteria provided. Collection method: research. Allele origin: germline. Study: CSER-PediSeq. Not counted in ClinVar's aggregate classification.

Clinical Genetics DNA and cytogenetics Diagnostics Lab, Erasmus MC, Erasmus Medical Center
Classification: Likely pathogenic. Review status: no assertion criteria provided. Collection method: clinical testing. Allele origin: germline. Affected: yes. Study: VKGL Data-share Consensus. Not counted in ClinVar's aggregate classification.

Clinical Genetics, Academic Medical Center
Classification: Likely pathogenic. Review status: no assertion criteria provided. Collection method: clinical testing. Allele origin: germline. Affected: yes. Study: VKGL Data-share Consensus. Not counted in ClinVar's aggregate classification.

Diagnostic Laboratory, Department of Genetics, University Medical Center Groningen
Classification: Likely pathogenic. Review status: no assertion criteria provided. Collection method: clinical testing. Allele origin: germline. Affected: yes. Study: VKGL Data-share Consensus. Not counted in ClinVar's aggregate classification.

Joint Genome Diagnostic Labs from Nijmegen and Maastricht, Radboudumc and MUMC+
Classification: Likely pathogenic. Review status: no assertion criteria provided. Collection method: clinical testing. Allele origin: germline. Affected: yes. Study: VKGL Data-share Consensus. Not counted in ClinVar's aggregate classification.

Literature cited by the submitters: PubMed 12860912 (cited by 10 submitters); PubMed 15607392 (cited by 10 submitters); PubMed 15698845 (cited by 10 submitters); PubMed 15992656 (cited by 5 submitters); PubMed 16352453 (cited by 7 submitters); PubMed 22876777 (cited by 9 submitters); PubMed 12707239 (cited by 3billion and Laboratory for Molecular Medicine, Mass General Brigham Personalized Medicine); PubMed 3349559 (cited by Color Diagnostics, LLC DBA Color Health and All of Us Research Program, National Institutes of Health); PubMed 25940119 (cited by 5 submitters); PubMed 31877599 (cited by Color Diagnostics, LLC DBA Color Health and All of Us Research Program, National Institutes of Health); PubMed 33029862 (cited by Color Diagnostics, LLC DBA Color Health and All of Us Research Program, National Institutes of Health); PubMed 33673806 (cited by Color Diagnostics, LLC DBA Color Health and Mayo Clinic Laboratories, Mayo Clinic); PubMed 35470680 (cited by Color Diagnostics, LLC DBA Color Health); PubMed 36291626 (cited by Color Diagnostics, LLC DBA Color Health); PubMed 21310275 (cited by Mayo Clinic Laboratories, Mayo Clinic); PubMed 23967088 (cited by 3 submitters); PubMed 24704860 (cited by Mayo Clinic Laboratories, Mayo Clinic); PubMed 27532257 (cited by 5 submitters); PubMed 31006259 (cited by Mayo Clinic Laboratories, Mayo Clinic and Laboratory for Molecular Medicine, Mass General Brigham Personalized Medicine); PubMed 32686758 (cited by Mayo Clinic Laboratories, Mayo Clinic); PubMed 32731933 (cited by Mayo Clinic Laboratories, Mayo Clinic and Laboratory for Molecular Medicine, Mass General Brigham Personalized Medicine); PubMed 33087929 (cited by Mayo Clinic Laboratories, Mayo Clinic); PubMed 35626289 (cited by Mayo Clinic Laboratories, Mayo Clinic); PubMed 36129056 (cited by Mayo Clinic Laboratories, Mayo Clinic); PubMed 36264615 (cited by Mayo Clinic Laboratories, Mayo Clinic); PubMed 37728764 (cited by Mayo Clinic Laboratories, Mayo Clinic); PubMed 16199542 (cited by 3 submitters); PubMed 21511876 (cited by 4 submitters); PubMed 25351510 (cited by Ambry Genetics); PubMed 25524337 (cited by Ambry Genetics and Agnes Ginges Centre for Molecular Cardiology, Centenary Institute); PubMed 15070570 (cited by Victorian Clinical Genetics Services, Murdoch Childrens Research Institute); PubMed 19914256 (cited by Victorian Clinical Genetics Services, Murdoch Childrens Research Institute); PubMed 21533915 (cited by Victorian Clinical Genetics Services, Murdoch Childrens Research Institute); PubMed 23270746 (cited by Victorian Clinical Genetics Services, Murdoch Childrens Research Institute and Laboratory for Molecular Medicine, Mass General Brigham Personalized Medicine); PubMed 28615295 (cited by Victorian Clinical Genetics Services, Murdoch Childrens Research Institute); PubMed 10806205 (cited by Laboratory for Molecular Medicine, Mass General Brigham Personalized Medicine); PubMed 9241277 (cited by Laboratory for Molecular Medicine, Mass General Brigham Personalized Medicine); PubMed 24510615 (cited by Laboratory for Molecular Medicine, Mass General Brigham Personalized Medicine and Agnes Ginges Centre for Molecular Cardiology, Centenary Institute); PubMed 11735257 (cited by Laboratory for Molecular Medicine, Mass General Brigham Personalized Medicine); PubMed 28790153 (cited by Laboratory for Molecular Medicine, Mass General Brigham Personalized Medicine); PubMed 24113344 (cited by Laboratory for Molecular Medicine, Mass General Brigham Personalized Medicine); PubMed 27600940 (cited by Laboratory for Molecular Medicine, Mass General Brigham Personalized Medicine and Agnes Ginges Centre for Molecular Cardiology, Centenary Institute).